The following is an entry in ClinVar:

NM_014946.4(SPAST):c.1040A>C (p.Gln347Pro)

Gene: SPAST (spastin; plus strand). Cytogenetic location: 2p22.3.
Variant type: single nucleotide variant.
Coding change: c.1040A>C on transcript NM_014946.4 (MANE Select); coding-DNA position 1040, A replaced by C.
Protein change: p.Gln347Pro; replaces glutamine 347 with proline.
Molecular consequence: missense variant.
Genome position (GRCh38, 1-based): chr2:32,116,154, A>C. VCF-style: chr2-32116154-A-C. GRCh37 (hg19) VCF-style: chr2-32341223-A-C.
Other names: c.1037A>C, p.Gln346Pro (NM_001363823.2); c.941A>C, p.Gln314Pro (NM_001363875.2); c.944A>C, p.Gln315Pro (NM_001377959.1, NM_199436.2); short protein forms Q346P, Q347P, Q314P, Q315P.
Identifiers: ClinVar variation 855431 (VCV000855431.11), dbSNP rs1678825469, ClinGen allele CA346499672.
Genomic context (GRCh38, chr2:32,116,154, plus strand): 5'-AACTAACTGAGGTCTTGTTTCTTAGTGGAACAGCTGTTAAATTTGATGATATAGCTGGTC[A>C]AGACTTGGCAAAACAAGCATTGCAAGAAATTGTTATTCTTCCTTCTCTGAGGCCTGAGGT-3'
Protein context (NP_055761.2, residues 337-357): TAVKFDDIAG[Gln347Pro]DLAKQALQEI

ClinVar aggregate classification (germline): Pathogenic/Likely pathogenic. Review status: criteria provided, multiple submitters, no conflicts (2 of 4 stars). 2 submissions from 2 submitters: Pathogenic (1); Likely pathogenic (1). Last evaluated 2022-06-20.

Conditions:
Hereditary spastic paraplegia 4. Also called: Spastic Paraplegia 4; Spastic paraplegia 4, autosomal dominant; Familial spastic paraplegia autosomal dominant 2. Identifiers: Orphanet 100985, MedGen C1866855, MONDO:0008438, OMIM 182601.

Submissions (2):

Labcorp Genetics (formerly Invitae), Labcorp
Classification: Pathogenic for Hereditary spastic paraplegia 4. Last evaluated: 2022-06-20. Review status: criteria provided, single submitter. Criteria: Invitae Variant Classification Sherloc (09022015). Collection method: clinical testing. Allele origin: germline.
Comment: Advanced modeling of protein sequence and biophysical properties (such as structural, functional, and spatial information, amino acid conservation, physicochemical variation, residue mobility, and thermodynamic stability) performed at Invitae indicates that this missense variant is expected to disrupt SPAST protein function. ClinVar contains an entry for this variant (Variation ID: 855431). This missense change has been observed in individuals with hereditary spastic paraplegia (PMID: 29980238). This variant is not present in population databases (gnomAD no frequency). This sequence change replaces glutamine, which is neutral and polar, with proline, which is neutral and non-polar, at codon 347 of the SPAST protein (p.Gln347Pro). Experimental studies have shown that this missense change affects SPAST function (PMID: 29980238). For these reasons, this variant has been classified as Pathogenic. This variant disrupts the p.Gln347 amino acid residue in SPAST. Other variant(s) that disrupt this residue have been observed in individuals with SPAST-related conditions (PMID: 12161613, 20932283), which suggests that this may be a clinically significant amino acid residue.

Institute of Medical Genetics and Applied Genomics, University Hospital Tübingen
Classification: Likely pathogenic. Last evaluated: 2020-10-23. Review status: criteria provided, single submitter. Criteria: ACMG Guidelines, 2015. Collection method: clinical testing. Allele origin: germline. Inheritance: Unknown mechanism. Affected: yes.

Literature cited by the submitters: PubMed 29980238 (cited by Labcorp Genetics (formerly Invitae), Labcorp); PubMed 12161613 (cited by Labcorp Genetics (formerly Invitae), Labcorp); PubMed 20932283 (cited by Labcorp Genetics (formerly Invitae), Labcorp).